The following is an entry in ClinVar:

ClinVar aggregate classification (germline): Uncertain significance. Review status: criteria provided, multiple submitters, no conflicts (2 of 4 stars). 4 submissions from 4 submitters: Uncertain significance (4). Last evaluated 2025-11-25.

Conditions:
Hereditary cancer-predisposing syndrome. Also called: Hereditary Cancer Syndrome; Neoplastic Syndromes, Hereditary; Tumor predisposition; Hereditary neoplastic syndrome. Identifiers: Orphanet 140162, MedGen C0027672, MeSH D009386, MONDO:0015356.
Oligodontia-cancer predisposition syndrome. Also called: TOOTH AGENESIS-COLORECTAL CANCER SYNDROME. Identifiers: Orphanet 300576, MedGen C1837750, MONDO:0012075, OMIM 608615. Disease mechanism: loss of function.
Colorectal cancer. Also called: Malignant Colorectal Neoplasm; Colorectal cancer, somatic. Identifiers: MedGen C0346629, MONDO:0005575, OMIM 114500.

Submissions (4):

Labcorp Genetics (formerly Invitae), Labcorp
Classification: Uncertain significance for Oligodontia-cancer predisposition syndrome. Last evaluated: 2025-11-25. Review status: criteria provided, single submitter. Criteria: Invitae Variant Classification Sherloc (09022015). Collection method: clinical testing. Allele origin: germline.
Comment: This sequence change replaces threonine, which is neutral and polar, with serine, which is neutral and polar, at codon 369 of the AXIN2 protein (p.Thr369Ser). This variant is not present in population databases (gnomAD no frequency). This variant has not been reported in the literature in individuals affected with AXIN2-related conditions. ClinVar contains an entry for this variant (Variation ID: 1021398). Invitae Evidence Modeling of protein sequence and biophysical properties (such as structural, functional, and spatial information, amino acid conservation, physicochemical variation, residue mobility, and thermodynamic stability) indicates that this missense variant is not expected to disrupt AXIN2 protein function with a negative predictive value of 80%. In summary, the available evidence is currently insufficient to determine the role of this variant in disease. Therefore, it has been classified as a Variant of Uncertain Significance.

Ambry Genetics
Classification: Uncertain significance for Hereditary cancer-predisposing syndrome. Last evaluated: 2024-08-21. Review status: criteria provided, single submitter. Criteria: Ambry Variant Classification Scheme 2023. Collection method: clinical testing. Allele origin: germline.
Comment: The p.T369S variant (also known as c.1106C>G), located in coding exon 4 of the AXIN2 gene, results from a C to G substitution at nucleotide position 1106. The threonine at codon 369 is replaced by serine, an amino acid with similar properties. This amino acid position is conserved. In addition, this alteration is predicted to be tolerated by in silico analysis. Based on the available evidence, the clinical significance of this variant remains unclear.

GeneDx
Classification: Uncertain significance. Last evaluated: 2024-03-17. Review status: criteria provided, single submitter. Criteria: GeneDx Variant Classification Process June 2021. Collection method: clinical testing. Allele origin: germline. Affected: yes.
Comment: Not observed at significant frequency in large population cohorts (gnomAD); In silico analysis supports that this missense variant does not alter protein structure/function; Has not been previously published as pathogenic or benign to our knowledge; This variant is associated with the following publications: (PMID: 15735151)

Baylor Genetics
Classification: Uncertain significance for Colorectal cancer. Last evaluated: 2023-11-23. Review status: criteria provided, single submitter. Criteria: ACMG Guidelines, 2015. Collection method: clinical testing. Allele origin: unknown.

NM_004655.4(AXIN2):c.1106C>G (p.Thr369Ser)

Gene: AXIN2 (axin 2; minus strand). Cytogenetic location: 17q24.1.
Variant type: single nucleotide variant.
Coding change: c.1106C>G on transcript NM_004655.4 (MANE Select); coding-DNA position 1106, C replaced by G.
Protein change: p.Thr369Ser; replaces threonine 369 with serine.
Molecular consequence: missense variant.
Genome position (GRCh38, 1-based): chr17:65,538,297, G>C on the plus strand (C>G on the coding strand, the complement: AXIN2 is on the minus strand). VCF-style: chr17-65538297-G-C. GRCh37 (hg19) VCF-style: chr17-63534415-G-C.
Other names: c.1106C>G (NM_004655.3); c.1106C>G, p.Thr369Ser (NM_001363813.1); short protein forms T369S.
Identifiers: ClinVar variation 1021398 (VCV001021398.11), dbSNP rs898166595, ClinGen allele CA400678455.
Genomic context (GRCh38, chr17:65,538,297, plus strand): 5'-TGGCGGCTCTCCAACTCCAGCTTCAGCTTTTCCAGCCTCGAGATCAGCTCAGCTGCAAAG[G>C]TGGCGGGTTCCACGGGGGTCATCTCCTTGGGCAGGCGGTGGGTTCTCTACAGGACGTGGA-3'
Protein context (NP_004646.3, residues 359-379): PKEMTPVEPA[Thr369Ser]FAAELISRLE